The following is an entry in ClinVar:

NM_000051.4(ATM):c.8497del (p.Tyr2833fs)

Genes: ATM (ATM serine/threonine kinase; plus strand), C11orf65 (chromosome 11 open reading frame 65; minus strand). Cytogenetic location: 11q22.3.
Variant type: Deletion.
Coding change: c.8497del on transcript NM_000051.4 (MANE Select); coding-DNA position 8497, one base deleted (T; older notation c.8497delT).
Protein change: p.Tyr2833fs; shifts the reading frame from tyrosine 2833.
Molecular consequence: frameshift variant. On other transcripts: intron variant (2).
Genome position (GRCh38, 1-based): chr11:108,345,821, T deleted; the last of 2 consecutive T bases (chr11:108,345,820-108,345,821); deleting either gives the same sequence. VCF-style (leftmost placement, unchanged base first): chr11-108345819-GT-G. GRCh37 (hg19) VCF-style: chr11-108216546-GT-G.
Other names: c.8497del, p.Tyr2833fs (NM_001351834.2); c.641-36749del (NM_001330368.2); c.695-10528del (NM_001351110.2); short protein forms Y2833fs.
Identifiers: ClinVar variation 1976723 (VCV001976723.5), dbSNP rs2547444047, ClinGen allele CA2580083426.

ClinVar aggregate classification (germline): Pathogenic (1 of 4 stars; one submission).

Conditions:
Ataxia-telangiectasia syndrome (AT). Also called: Ataxia-telangiectasia, complementation group D; AT, COMPLEMENTATION GROUP C; ATAXIA-TELANGIECTASIA, COMPLEMENTATION GROUP A; ATAXIA-TELANGIECTASIA, FRESNO VARIANT; Ataxia-telangiectasia, complementation group E; LOUIS-BAR SYNDROME. Identifiers: Orphanet 100, MedGen C0004135, MONDO:0008840, OMIM 208900.

Submission:

Labcorp Genetics (formerly Invitae), Labcorp
Classification: Pathogenic for Ataxia-telangiectasia syndrome. Last evaluated: 2025-07-15. Review status: criteria provided, single submitter. Criteria: Invitae Variant Classification Sherloc (09022015). Collection method: clinical testing. Allele origin: germline.
Comment: This sequence change creates a premature translational stop signal (p.Tyr2833Thrfs*24) in the ATM gene. It is expected to result in an absent or disrupted protein product. Loss-of-function variants in ATM are known to be pathogenic (PMID: 23807571, 25614872). This variant is not present in population databases (gnomAD no frequency). This variant has not been reported in the literature in individuals affected with ATM-related conditions. ClinVar contains an entry for this variant (Variation ID: 1976723). For these reasons, this variant has been classified as Pathogenic.

Literature cited by the submitters: PubMed 23807571; PubMed 25614872.